The following is an entry in ClinVar:

NM_152328.5(ADSS1):c.1052A>C (p.His351Pro)

Gene: ADSS1 (adenylosuccinate synthase 1; plus strand). Cytogenetic location: 14q32.33.
Variant type: single nucleotide variant.
Coding change: c.1052A>C on transcript NM_152328.5 (MANE Select); coding-DNA position 1052, A replaced by C.
Protein change: p.His351Pro; replaces histidine 351 with proline.
Molecular consequence: missense variant.
Genome position (GRCh38, 1-based): chr14:104,743,170, A>C. VCF-style: chr14-104743170-A-C. GRCh37 (hg19) VCF-style: chr14-105209507-A-C.
Other names: c.437A>C, p.His146Pro (NM_001320424.1); c.1181A>C, p.His394Pro (NM_199165.2); c.1181A>C (NM_199165.1); short protein forms H146P, H351P, H394P.
Identifiers: ClinVar variation 1681997 (VCV001681997.4), dbSNP rs1891436777, ClinGen allele CA391243426.

ClinVar aggregate classification (germline): Uncertain significance. Review status: criteria provided, multiple submitters, no conflicts (2 of 4 stars). 2 submissions from 2 submitters: Uncertain significance (2). Last evaluated 2025-05-26.

Conditions:
Inborn genetic diseases. Identifiers: MedGen C0950123, MeSH D030342.

Allele frequency attached by ClinVar (database versions not stated): TOPMed 0.00001; gnomAD 0.00001.
gnomAD v4.1: 1 of 1,611,702 alleles (0.000062%); highest among the groups gnomAD compares: Non-Finnish European, 0.000085%; no homozygotes.

Submissions (2):

Ambry Genetics
Classification: Uncertain significance for Inborn genetic diseases. Last evaluated: 2025-05-26. Review status: criteria provided, single submitter. Criteria: Ambry Variant Classification Scheme 2023. Collection method: clinical testing. Allele origin: germline.

Labcorp Genetics (formerly Invitae), Labcorp
Classification: Uncertain significance. Last evaluated: 2021-10-03. Review status: criteria provided, single submitter. Criteria: Invitae Variant Classification Sherloc (09022015). Collection method: clinical testing. Allele origin: germline.
Comment: This sequence change replaces histidine with proline at codon 394 of the ADSSL1 protein (p.His394Pro). There is a moderate physicochemical difference between histidine and proline. This variant is not present in population databases (ExAC no frequency). This variant has not been reported in the literature in individuals affected with ADSSL1-related conditions. Algorithms developed to predict the effect of missense changes on protein structure and function are either unavailable or do not agree on the potential impact of this missense change (SIFT: "Not Available"; PolyPhen-2: "Probably Damaging"; Align-GVGD: "Not Available"). In summary, the available evidence is currently insufficient to determine the role of this variant in disease. Therefore, it has been classified as a Variant of Uncertain Significance.